The following is an entry in ClinVar:

ClinVar aggregate classification (germline): Conflicting classifications of pathogenicity. Review status: criteria provided, conflicting classifications (1 of 4 stars). 2 submissions from 2 submitters: Uncertain significance (1); Likely benign (1). Last evaluated 2023-06-05.

Conditions:
Congenital disorder of glycosylation, type Ii. Also called: ALG2-congenital disorder of glycosylation; CDG Ii; ALG2-CDG. Identifiers: Orphanet 79326, MedGen C1842836, MONDO:0011933, OMIM 607906.
Congenital myasthenic syndrome 14. Also called: Myasthenic syndrome, congenital, 14, with tubular aggregates. Identifiers: Orphanet 353327, Orphanet 590, MedGen C4015597, MONDO:0014543, OMIM 616228.
Inborn genetic diseases. Identifiers: MedGen C0950123, MeSH D030342.

Allele frequency attached by ClinVar (database versions not stated): gnomAD 0.00001 and 0.00002.

Submissions (2):

Ambry Genetics
Classification: Likely benign for Inborn genetic diseases. Last evaluated: 2023-06-05. Review status: criteria provided, single submitter. Criteria: Ambry Variant Classification Scheme 2023. Collection method: clinical testing. Allele origin: germline.

Labcorp Genetics (formerly Invitae), Labcorp
Classification: Uncertain significance for Congenital disorder of glycosylation, type Ii; Congenital myasthenic syndrome 14. Last evaluated: 2022-06-13. Review status: criteria provided, single submitter. Criteria: Invitae Variant Classification Sherloc (09022015). Collection method: clinical testing. Allele origin: germline.
Comment: In summary, the available evidence is currently insufficient to determine the role of this variant in disease. Therefore, it has been classified as a Variant of Uncertain Significance. Algorithms developed to predict the effect of missense changes on protein structure and function output the following: SIFT: "Deleterious"; PolyPhen-2: "Benign"; Align-GVGD: "Class C0". The glutamine amino acid residue is found in multiple mammalian species, which suggests that this missense change does not adversely affect protein function. ClinVar contains an entry for this variant (Variation ID: 856875). This variant has not been reported in the literature in individuals affected with ALG2-related conditions. This variant is present in population databases (no rsID available, gnomAD 0.004%). This sequence change replaces arginine, which is basic and polar, with glutamine, which is neutral and polar, at codon 7 of the ALG2 protein (p.Arg7Gln).

NM_033087.4(ALG2):c.20G>A (p.Arg7Gln)

Gene: ALG2 (ALG2 alpha-1,3/1,6-mannosyltransferase; minus strand). Cytogenetic location: 9q22.33.
Variant type: single nucleotide variant.
Coding change: c.20G>A on transcript NM_033087.4 (MANE Select); coding-DNA position 20, G replaced by A.
Protein change: p.Arg7Gln; replaces arginine 7 with glutamine.
Molecular consequence: missense variant. On other transcripts: non-coding transcript variant (1).
Genome position (GRCh38, 1-based): chr9:99,221,875, C>T on the plus strand (G>A on the coding strand, the complement: ALG2 is on the minus strand). VCF-style: chr9-99221875-C-T. GRCh37 (hg19) VCF-style: chr9-101984157-C-T.
Other names: short protein forms R7Q.
Identifiers: ClinVar variation 856875 (VCV000856875.8), dbSNP rs776974668, ClinGen allele CA196856559.